The following is an entry in ClinVar:

NM_000517.6(HBA2):c.*107A>G

Genes: HBA2 (hemoglobin subunit alpha 2; plus strand), LOC106804612 (hemoglobin subunit alpha 2 recombination region; plus strand). Cytogenetic location: 16p13.3.
Variant type: single nucleotide variant.
Coding change: c.*107A>G on transcript NM_000517.6 (MANE Select); 107 bases downstream of the stop codon, A replaced by G.
Molecular consequence: 3 prime UTR variant.
Genome position (GRCh38, 1-based): chr16:173,707, A>G. VCF-style: chr16-173707-A-G. GRCh37 (hg19) VCF-style: chr16-223706-A-G.
Other names: 3' UTR +832 G>A.
Identifiers: ClinVar variation 439108 (VCV000439108.18), dbSNP rs2541640, ClinGen allele CA276415712.

ClinVar aggregate classification (germline): Benign. Review status: reviewed by expert panel (3 of 4 stars). 11 submissions from 10 submitters: Benign (1). 10 of the submissions do not count toward it. Last evaluated 2026-04-08.

Conditions:
Erythrocytosis, familial, 7. Also called: ERYTHROCYTOSIS, ALPHA-GLOBIN TYPE; POLYCYTHEMIA, ALPHA-GLOBIN TYPE; ERYTHROCYTOSIS 7. Identifiers: MedGen C4693823, MONDO:0054802, OMIM 617981.
alpha Thalassemia. Also called: Alpha thalassemia spectrum. Identifiers: Orphanet 846, MedGen C0002312, MONDO:0011399, OMIM 604131.
HBA2-related alpha thalassemia spectrum. Identifiers: MedGen CN377749, MONDO:0100562.

Allele frequency attached by ClinVar (database versions not stated): TOPMed 0.99386; gnomAD 0.99433 and 0.99446; 1000 Genomes Project 30x 0.99672; 1000 Genomes Project 0.99700.

Submissions (11):

ClinGen Hemoglobinopathy Variant Curation Expert Panel, ClinGen
Classification: Benign for HBA2-related alpha thalassemia spectrum. Last evaluated: 2026-04-08. Review status: reviewed by expert panel. Criteria: ClinGen Hb Opathy ACMG Specifications HBA2 V1.0.0. Collection method: curation. Allele origin: germline. Inheritance: Autosomal recessive inheritance.
Comment: The c.*107A>G (NM_000517.6) variant in HBA2 is a 3’UTR variant, located 13 bp downstream of the Poly A (AATAAA) region of HBA2 that is defined as a mutational hotspot by the ClinGen Hemoglobinopathy VCEP. The highest population minor allele frequency in gnomAD v4.1 is 0.9941 (81957/81968 alleles) in South Asian, which is higher than the ClinGen Hemoglobinopathy VCEP threshold (≥0.005) for BA1, and therefore meets this criterion [BA1]. The results from two in silico predictors, CADD (PHRED score 1.94; VCEP threshold ≤11) and SpliceAI (Δ score 0; VCEP threshold ≤0.3) suggest that this variant is not expected to impact HBA2 function [BP4]. In summary, this variant meets the criteria to be classified as benign for recessive HBA2-related alpha thalassemia spectrum (MONDO:0100562) based on the ACMG/AMP criteria applied, as specified by the ClinGen Hemoglobinopathy VCEP (specification version 1.0.0): BA1, BP4

Quest Diagnostics Nichols Institute San Juan Capistrano
Classification: Benign. Last evaluated: 2025-08-15. Review status: criteria provided, single submitter. Criteria: Quest Diagnostics criteria. Collection method: clinical testing. Allele origin: unknown. Not counted in ClinVar's aggregate classification.

Blueprint Genetics
Classification: Likely benign. Last evaluated: 2024-11-27. Review status: criteria provided, single submitter. Criteria: ACMG Guidelines, 2015. Collection method: clinical testing. Allele origin: germline. Not counted in ClinVar's aggregate classification.

Women's Health and Genetics/Laboratory Corporation of America, LabCorp
Classification: Benign. Last evaluated: 2024-01-26. Review status: criteria provided, single submitter. Criteria: LabCorp Variant Classification Summary - May 2015. Collection method: clinical testing. Allele origin: germline. Not counted in ClinVar's aggregate classification.
Comment: Variant summary: HBA2 c.*107A>G is located in the untranslated mRNA region downstream of the termination codon. The variant allele was found at a frequency of 0.99 in 1,431,278 control chromosomes (gnomAD v4), suggesting that it is the major allele and therefore benign. ClinVar contains an entry for this variant (Variation ID: 439108). Based on the evidence outlined above, the variant was classified as benign.

Genome-Nilou Lab
Classification: Benign for Erythrocytosis, familial, 7. Last evaluated: 2021-07-14. Review status: criteria provided, single submitter. Criteria: ACMG Guidelines, 2015. Collection method: clinical testing. Allele origin: germline. Affected: no. Not counted in ClinVar's aggregate classification.

Genome-Nilou Lab
Classification: Benign for alpha Thalassemia. Last evaluated: 2021-07-14. Review status: criteria provided, single submitter. Criteria: ACMG Guidelines, 2015. Collection method: clinical testing. Allele origin: germline. Affected: no. Not counted in ClinVar's aggregate classification.

GeneDx
Classification: Benign. Last evaluated: 2018-07-09. Review status: criteria provided, single submitter. Criteria: GeneDx Variant Classification Process June 2021. Collection method: clinical testing. Allele origin: germline. Affected: yes. Not counted in ClinVar's aggregate classification.

Breakthrough Genomics
Classification: Benign. Review status: criteria provided, single submitter. Criteria: ACMG Guidelines, 2015. Collection method: not provided. Allele origin: germline. Inheritance: Autosomal dominant inheritance. Affected: yes. Not counted in ClinVar's aggregate classification.

MOLECULAR BIOLOGY AND HUMAN GENETICS DIVISION, THE UNIVERSITY OF BURDWAN
Classification: Benign for alpha Thalassemia. Last evaluated: 2025-04-21. Review status: no assertion criteria provided. Collection method: research. Allele origin: germline. Affected: no. Observed: 6 variant alleles. Not counted in ClinVar's aggregate classification.
Comment: The variant present at higher frequency in general population, no phenotypic effect was identified in heterozygous condition

3 prime UTR Variant of the HBA2 gene, commonly occuring in the Bengali Beta-thalassemia patients during alpha-globin gene mutation screening.

The ITHANET community portal, The Cyprus Institute of Neurology and Genetics
Classification: Benign for alpha Thalassemia. Last evaluated: 2019-11-25. Review status: no assertion criteria provided. Collection method: curation. Allele origin: germline. Not counted in ClinVar's aggregate classification.

Natera, Inc.
Classification: Benign for Alpha thalassemia. Last evaluated: 2017-04-25. Review status: no assertion criteria provided. Collection method: clinical testing. Allele origin: germline. Not counted in ClinVar's aggregate classification.

Literature cited by the submitters: PubMed 12217813 (cited by MOLECULAR BIOLOGY AND HUMAN GENETICS DIVISION, THE UNIVERSITY OF BURDWAN and The ITHANET community portal, The Cyprus Institute of Neurology and Genetics).